The following is an entry in ClinVar:

NM_000051.4(ATM):c.7630-18A>G

Genes: ATM (ATM serine/threonine kinase; plus strand), C11orf65 (chromosome 11 open reading frame 65; minus strand). Cytogenetic location: 11q22.3.
Variant type: single nucleotide variant.
Coding change: c.7630-18A>G on transcript NM_000051.4 (MANE Select); 18 bases into the intron before coding-DNA position 7630, A replaced by G.
Molecular consequence: intron variant.
Genome position (GRCh38, 1-based): chr11:108,331,861, A>G. VCF-style: chr11-108331861-A-G. GRCh37 (hg19) VCF-style: chr11-108202588-A-G.
Other names: c.7630-18A>G (NM_001351834.2); c.641-22790T>C (NM_001330368.2); c.*38+3359T>C (NM_001351110.2).
Identifiers: ClinVar variation 1444245 (VCV001444245.7), dbSNP rs1236081666, ClinGen allele CA671417987.

ClinVar aggregate classification (germline): Uncertain significance (1 of 4 stars; one submission).

Conditions:
Ataxia-telangiectasia syndrome (AT). Also called: Ataxia-telangiectasia; LOUIS-BAR SYNDROME; Ataxia-telangiectasia, complementation group D; AT, COMPLEMENTATION GROUP C; ATAXIA-TELANGIECTASIA, COMPLEMENTATION GROUP A; ATAXIA-TELANGIECTASIA, FRESNO VARIANT. Identifiers: Orphanet 100, MedGen C0004135, MONDO:0008840, OMIM 208900.

Allele frequency attached by ClinVar (database versions not stated): gnomAD 0.00001; TOPMed below 0.00001.
gnomAD v4.1: 1 of 1,611,788 alleles (0.000062%); highest among the groups gnomAD compares: African/African-American, 0.0013%; no homozygotes.

Submission:

Labcorp Genetics (formerly Invitae), Labcorp
Classification: Uncertain significance for Ataxia-telangiectasia syndrome. Last evaluated: 2022-04-27. Review status: criteria provided, single submitter. Criteria: Invitae Variant Classification Sherloc (09022015). Collection method: clinical testing. Allele origin: germline.
Comment: This sequence change falls in intron 51 of the ATM gene. It does not directly change the encoded amino acid sequence of the ATM protein. This variant is not present in population databases (gnomAD no frequency). This variant has not been reported in the literature in individuals affected with ATM-related conditions. Algorithms developed to predict the effect of sequence changes on RNA splicing suggest that this variant may disrupt the consensus splice site. In summary, the available evidence is currently insufficient to determine the role of this variant in disease. Therefore, it has been classified as a Variant of Uncertain Significance.